The following is an entry in ClinVar:

NM_170707.4(LMNA):c.1721G>T (p.Gly574Val)

Gene: LMNA (lamin A/C; plus strand). Cytogenetic location: 1q22.
Variant type: single nucleotide variant.
Coding change: c.1721G>T on transcript NM_170707.4 (MANE Select); coding-DNA position 1721, G replaced by T.
Protein change: p.Gly574Val; replaces glycine 574 with valine.
Molecular consequence: missense variant.
Genome position (GRCh38, 1-based): chr1:156,138,510, G>T. VCF-style: chr1-156138510-G-T. GRCh37 (hg19) VCF-style: chr1-156108301-G-T.
Other names: c.1631G>T, p.Gly544Val (NM_170708.4); c.1721G>T, p.Gly574Val (NM_001406991.1, NM_001406983.1, NM_001406985.1 and 1 more transcripts); c.1163G>T, p.Gly388Val (NM_001406993.1, NM_001406995.1, NM_001406996.1 and 2 more transcripts); c.1097G>T, p.Gly366Val (NM_001406994.1, NM_001406999.1, NM_001407000.1 and 1 more transcripts); c.1478G>T, p.Gly493Val (NM_001406986.1, NM_001406987.1); c.1424G>T, p.Gly475Val (NM_001406988.1); c.1385G>T, p.Gly462Val (NM_001406989.1, NM_001257374.3); short protein forms G388V, G462V, G544V, G574V, G475V, G493V, G366V.
Identifiers: ClinVar variation 3692840 (VCV003692840.2).

ClinVar aggregate classification (germline): Uncertain significance (1 of 4 stars; one submission).

Conditions:
Charcot-Marie-Tooth disease type 2. Also called: Charcot-Marie-Tooth type 2. Identifiers: Orphanet 64746, MedGen C0270914, MONDO:0018993.

gnomAD v4.1: 1 of 1,612,536 alleles (0.000062%); highest among the groups gnomAD compares: Non-Finnish European, 0.000085%; no homozygotes.

Submission:

Labcorp Genetics (formerly Invitae), Labcorp
Classification: Uncertain significance for Charcot-Marie-Tooth disease type 2. Last evaluated: 2024-04-29. Review status: criteria provided, single submitter. Criteria: Invitae Variant Classification Sherloc (09022015). Collection method: clinical testing. Allele origin: germline.
Comment: This sequence change replaces glycine, which is neutral and non-polar, with valine, which is neutral and non-polar, at codon 574 of the LMNA protein (p.Gly574Val). This variant is not present in population databases (gnomAD no frequency). This variant has not been reported in the literature in individuals affected with LMNA-related conditions. Advanced modeling of protein sequence and biophysical properties (such as structural, functional, and spatial information, amino acid conservation, physicochemical variation, residue mobility, and thermodynamic stability) performed at Invitae indicates that this missense variant is expected to disrupt LMNA protein function with a positive predictive value of 95%. In summary, the available evidence is currently insufficient to determine the role of this variant in disease. Therefore, it has been classified as a Variant of Uncertain Significance.